The following is an entry in ClinVar:

ClinVar aggregate classification (germline): Likely benign. Review status: criteria provided, multiple submitters, no conflicts (2 of 4 stars). 3 submissions from 3 submitters: Likely benign (2). 1 of the submissions does not count toward it. Last evaluated 2025-05-31.

Conditions:
Naxos disease (NXD). Also called: MAL DE NAXOS; PALMOPLANTAR KERATODERMA WITH ARRHYTHMOGENIC RIGHT VENTRICULAR CARDIOMYOPATHY AND WOOLLY HAIR; WOOLLY HAIR, PALMOPLANTAR KERATODERMA, AND CARDIAC ABNORMALITIES; CARDIOMYOPATHY, ARRHYTHMOGENIC RIGHT VENTRICULAR, WITH SKIN, HAIR, AND NAIL ABNORMALITIES; KERATOSIS PALMOPLANTARIS WITH ARRHYTHMOGENIC CARDIOMYOPATHY. Identifiers: Orphanet 34217, MedGen C1832600, MONDO:0011017, OMIM 601214.
Arrhythmogenic right ventricular dysplasia 12. Also called: ARRHYTHMOGENIC RIGHT VENTRICULAR DYSPLASIA, FAMILIAL, 12. Identifiers: MedGen C1969081, MONDO:0012684, OMIM 611528.
JUP-related disorder. Also called: JUP-related condition.

Allele frequency attached by ClinVar (database versions not stated): gnomAD 0.00001; gnomAD exomes 0.00001; TOPMed 0.00001.
gnomAD v4.1: 17 of 1,606,906 alleles (0.0011%); highest among the groups gnomAD compares: Admixed American, 0.0017%; no homozygotes.

Submissions (3):

Labcorp Genetics (formerly Invitae), Labcorp
Classification: Likely benign for Arrhythmogenic right ventricular dysplasia 12; Naxos disease. Last evaluated: 2025-05-31. Review status: criteria provided, single submitter. Criteria: Invitae Variant Classification Sherloc (09022015). Collection method: clinical testing. Allele origin: germline.

Women's Health and Genetics/Laboratory Corporation of America, LabCorp
Classification: Likely benign. Last evaluated: 2025-04-23. Review status: criteria provided, single submitter. Criteria: LabCorp Variant Classification Summary - May 2015. Collection method: clinical testing. Allele origin: germline.

PreventionGenetics, part of Exact Sciences
Classification: Likely benign for JUP-related condition. Last evaluated: 2019-07-08. Review status: no assertion criteria provided. Collection method: clinical testing. Allele origin: germline. Not counted in ClinVar's aggregate classification.
Comment: This variant is classified as likely benign based on ACMG/AMP sequence variant interpretation guidelines (Richards et al. 2015 PMID: 25741868, with internal and published modifications).

NM_002230.4(JUP):c.209-8G>A

Gene: JUP (junction plakoglobin; minus strand). Cytogenetic location: 17q21.2.
Variant type: single nucleotide variant.
Coding change: c.209-8G>A on transcript NM_002230.4 (MANE Select); 8 bases into the intron before coding-DNA position 209, G replaced by A.
Molecular consequence: intron variant.
Genome position (GRCh38, 1-based): chr17:41,769,685, C>T on the plus strand (G>A on the coding strand, the complement: JUP is on the minus strand). VCF-style: chr17-41769685-C-T. GRCh37 (hg19) VCF-style: chr17-39925937-C-T.
Other names: c.209-8G>A (NM_001352774.2, NM_021991.4, NM_001352776.2 and 3 more transcripts).
Identifiers: ClinVar variation 928582 (VCV000928582.13), dbSNP rs1165044090, ClinGen allele CA626215898.